The following is an entry in ClinVar:

ClinVar aggregate classification (germline): Uncertain significance (1 of 4 stars; one submission).

Conditions:
Myofibrillar myopathy 4. Also called: Zaspopathy (type). Identifiers: Orphanet 98912, MedGen C4721886, MONDO:0012277, OMIM 609452.

Submission:

Labcorp Genetics (formerly Invitae), Labcorp
Classification: Uncertain significance for Myofibrillar myopathy 4. Last evaluated: 2025-06-12. Review status: criteria provided, single submitter. Criteria: Invitae Variant Classification Sherloc (09022015). Collection method: clinical testing. Allele origin: germline.
Comment: The LDB3 gene has multiple clinically relevant transcripts. This variant occurs in alternate transcript NM_007078.3, and corresponds to NM_001080116.1:c.*7198C>G in the primary transcript. This sequence change replaces threonine, which is neutral and polar, with serine, which is neutral and polar, at codon 313 of the LDB3 protein (p.Thr313Ser). This variant is not present in population databases (gnomAD no frequency). This variant has not been reported in the literature in individuals affected with LDB3-related conditions. Experimental studies and prediction algorithms are not available or were not evaluated, and the functional significance of this variant is currently unknown. In summary, the available evidence is currently insufficient to determine the role of this variant in disease. Therefore, it has been classified as a Variant of Uncertain Significance.

NM_007078.3(LDB3):c.938C>G (p.Thr313Ser)

Gene: LDB3 (LIM domain binding 3; plus strand). Cytogenetic location: 10q23.2.
Variant type: single nucleotide variant.
Coding change: c.938C>G on transcript NM_007078.3 (MANE Select); coding-DNA position 938, C replaced by G.
Protein change: p.Thr313Ser; replaces threonine 313 with serine.
Molecular consequence: missense variant. On other transcripts: intron variant (4).
Genome position (GRCh38, 1-based): chr10:86,706,572, C>G. VCF-style: chr10-86706572-C-G. GRCh37 (hg19) VCF-style: chr10-88466329-C-G.
Other names: c.797C>G, p.Thr266Ser (NM_001368066.1); c.897-3333C>G (NM_001368064.1, NM_001368065.1); c.1101-3333C>G (NM_001171610.2); c.756-3333C>G (NM_001080114.2); short protein forms T313S, T266S.
Identifiers: ClinVar variation 4748204 (VCV004748204.1).
Genomic context (GRCh38, chr10:86,706,572, plus strand): 5'-TTTGGTCCCGCCTCATCAGCACCCCTATTGAGCATGCGCCGGTGTGCACCAGCCAGGCCA[C>G]CACCCCGCTGCTGCCCGCTTCTGCCCAGCCACCTGCTGCTGCCTCTCCCAGTGCGGCTTC-3'
Protein context (NP_009009.1, residues 303-323): EHAPVCTSQA[Thr313Ser]TPLLPASAQP